The following is an entry in ClinVar:

NM_004519.4(KCNQ3):c.*7075A>G

Gene: KCNQ3 (potassium voltage-gated channel subfamily Q member 3; minus strand). Cytogenetic location: 8q24.22.
Variant type: single nucleotide variant.
Coding change: c.*7075A>G on transcript NM_004519.4 (MANE Select); 7075 bases downstream of the stop codon, A replaced by G.
Molecular consequence: 3 prime UTR variant.
Genome position (GRCh38, 1-based): chr8:132,122,187, T>C on the plus strand (A>G on the coding strand, the complement: KCNQ3 is on the minus strand). VCF-style: chr8-132122187-T-C. GRCh37 (hg19) VCF-style: chr8-133134434-T-C.
Other names: c.*7075A>G (NM_001204824.2).
Identifiers: ClinVar variation 361763 (VCV000361763.7), dbSNP rs2436127, ClinGen allele CA10624728.

ClinVar aggregate classification (germline): Benign. Review status: criteria provided, multiple submitters, no conflicts (2 of 4 stars). 2 submissions from 2 submitters: Benign (2). Last evaluated 2018-01-13.

Conditions:
Seizures, benign familial neonatal, 2. Also called: CONVULSIONS, BENIGN FAMILIAL NEONATAL, 2; KCNQ3-Related Self-Limited Familial Neonatal Epilepsy (SLFNE); Benign Neonatal Epilepsy 2; KCNQ3-Related Benign Familial Neonatal Epilepsy; Seizures, benign neonatal, 2. Identifiers: Orphanet 1949, MedGen C1852581, MONDO:0007366, OMIM 121201.

Allele frequency attached by ClinVar (database versions not stated): TOPMed 0.19723; 1000 Genomes Project 0.13478; gnomAD 0.20581 and 0.20317; 1000 Genomes Project 30x 0.13585; gnomAD exomes 0.16667.
gnomAD v4.1: 31,259 of 152,128 alleles (21%); highest among the groups gnomAD compares: Middle Eastern, 31%; 3,714 homozygotes.

Submissions (2):

Illumina Laboratory Services, Illumina
Classification: Benign for Seizures, benign familial neonatal, 2. Last evaluated: 2018-01-13. Review status: criteria provided, single submitter. Criteria: ICSL Variant Classification Criteria 13 December 2019. Collection method: clinical testing. Allele origin: germline.
Comment: This variant was observed in the ICSL laboratory as part of a predisposition screen in an ostensibly healthy population. It had not been previously curated by ICSL or reported in the Human Gene Mutation Database (HGMD: prior to June 1st, 2018), and was therefore a candidate for classification through an automated scoring system. Utilizing variant allele frequency, disease prevalence and penetrance estimates, and inheritance mode, an automated score was calculated to assess if this variant is too frequent to cause the disease. Based on the score and internal cut-off values, a variant classified as benign is not then subjected to further curation. The score for this variant resulted in a classification of benign for this disease.

Breakthrough Genomics
Classification: Benign. Review status: criteria provided, single submitter. Criteria: ACMG Guidelines, 2015. Collection method: not provided. Allele origin: germline. Inheritance: Autosomal dominant inheritance. Affected: yes.